The following is an entry in ClinVar:

NM_024063.3(AFG2B):c.76A>G (p.Thr26Ala)

Gene: AFG2B (AFG2 AAA ATPase homolog B; plus strand). Cytogenetic location: 15q21.1.
Variant type: single nucleotide variant.
Coding change: c.76A>G on transcript NM_024063.3 (MANE Select); coding-DNA position 76, A replaced by G.
Protein change: p.Thr26Ala; replaces threonine 26 with alanine.
Molecular consequence: missense variant. On other transcripts: non-coding transcript variant (5).
Genome position (GRCh38, 1-based): chr15:45,402,505, A>G. VCF-style: chr15-45402505-A-G. GRCh37 (hg19) VCF-style: chr15-45694703-A-G.
Other names: c.76A>G, p.Thr26Ala (NM_001323640.2); short protein forms T26A.
Identifiers: ClinVar variation 1275862 (VCV001275862.1), dbSNP rs2542040283, ClinGen allele CA392258276.

ClinVar aggregate classification (germline): Uncertain significance (1 of 4 stars; one submission).

Allele frequency attached by ClinVar (database versions not stated): gnomAD exomes below 0.00001.
gnomAD v4.1: 1 of 1,608,228 alleles (0.000062%); highest among the groups gnomAD compares: Non-Finnish European, 0.000085%; no homozygotes.

Submission:

GeneDx
Classification: Uncertain significance. Last evaluated: 2021-07-23. Review status: criteria provided, single submitter. Criteria: GeneDx Variant Classification Process June 2021. Collection method: clinical testing. Allele origin: germline. Affected: yes.
Comment: In silico analysis supports that this missense variant does not alter protein structure/function; Not observed at significant frequency in large population cohorts (Lek et al., 2016)